The following is an entry in ClinVar:

NM_003738.5(PTCH2):c.2459C>T (p.Ala820Val)

Gene: PTCH2 (patched 2; minus strand). Cytogenetic location: 1p34.1.
Variant type: single nucleotide variant.
Coding change: c.2459C>T on transcript NM_003738.5 (MANE Select); coding-DNA position 2459, C replaced by T.
Protein change: p.Ala820Val; replaces alanine 820 with valine.
Molecular consequence: missense variant.
Genome position (GRCh38, 1-based): chr1:44,827,222, G>A on the plus strand (C>T on the coding strand, the complement: PTCH2 is on the minus strand). VCF-style: chr1-44827222-G-A. GRCh37 (hg19) VCF-style: chr1-45292894-G-A.
Other names: c.2459C>T, p.Ala820Val (NM_001166292.2); short protein forms A820V.
Identifiers: ClinVar variation 863106 (VCV000863106.11), dbSNP rs140437473, ClinGen allele CA822998.

ClinVar aggregate classification (germline): Uncertain significance. Review status: criteria provided, multiple submitters, no conflicts (2 of 4 stars). 2 submissions from 2 submitters: Uncertain significance (2). Last evaluated 2023-08-25.

Conditions:
Gorlin syndrome. Also called: Nevoid Basal Cell Carcinoma Syndrome; Basal cell nevus syndrome. Identifiers: Orphanet 377, MedGen C0004779, MONDO:0007187.

Allele frequency attached by ClinVar (database versions not stated): ExAC 0.00002; gnomAD exomes 0.00002 and 0.00007; TOPMed 0.00002; gnomAD 0.00004; ESP Exome Variant Server 0.00008.
gnomAD v4.1: 106 of 1,613,996 alleles (0.0066%); highest among the groups gnomAD compares: Non-Finnish European, 0.0088%; no homozygotes.

Submissions (2):

Labcorp Genetics (formerly Invitae), Labcorp
Classification: Uncertain significance for Gorlin syndrome. Last evaluated: 2023-08-25. Review status: criteria provided, single submitter. Criteria: Invitae Variant Classification Sherloc (09022015). Collection method: clinical testing. Allele origin: germline.
Comment: In summary, the available evidence is currently insufficient to determine the role of this variant in disease. Therefore, it has been classified as a Variant of Uncertain Significance. Advanced modeling of protein sequence and biophysical properties (such as structural, functional, and spatial information, amino acid conservation, physicochemical variation, residue mobility, and thermodynamic stability) has been performed at Invitae for this missense variant, however the output from this modeling did not meet the statistical confidence thresholds required to predict the impact of this variant on PTCH2 protein function. ClinVar contains an entry for this variant (Variation ID: 863106). This variant has not been reported in the literature in individuals affected with PTCH2-related conditions. This variant is present in population databases (rs140437473, gnomAD 0.006%). This sequence change replaces alanine, which is neutral and non-polar, with valine, which is neutral and non-polar, at codon 820 of the PTCH2 protein (p.Ala820Val).

Ambry Genetics
Classification: Uncertain significance. Last evaluated: 2022-06-09. Review status: criteria provided, single submitter. Criteria: Ambry Variant Classification Scheme 2023. Collection method: clinical testing. Allele origin: germline.